The following is an entry in ClinVar:

ClinVar aggregate classification (germline): Uncertain significance (1 of 4 stars; one submission).

Conditions:
Familial hypobetalipoproteinemia 1. Also called: APOB-Related Familial Hypobetalipoproteinemia; Hypobetalipoproteinemia, normotriglyceridemic; Acanthocytosis with hypobetalipoproteinemia. Identifiers: MedGen C4551990, MONDO:0014252, OMIM 615558.
Hypercholesterolemia, autosomal dominant, type B (FHCL2). Also called: Familial Hypercholesterolemia Type B; APOLIPOPROTEIN B-100, FAMILIAL DEFECTIVE; APOLIPOPROTEIN B-100, FAMILIAL LIGAND-DEFECTIVE; HYPERCHOLESTEROLEMIA, FAMILIAL, DUE TO LIGAND-DEFECTIVE APOLIPOPROTEIN B; Familial hypercholesterolemia 2; Hyperlipoproteinemia Type IIb. Identifiers: MedGen C1704417, MONDO:0007751, OMIM 144010.

Submission:

Labcorp Genetics (formerly Invitae), Labcorp
Classification: Uncertain significance for Familial hypobetalipoproteinemia 1; Hypercholesterolemia, autosomal dominant, type B. Last evaluated: 2021-11-20. Review status: criteria provided, single submitter. Criteria: Invitae Variant Classification Sherloc (09022015). Collection method: clinical testing. Allele origin: germline.
Comment: In summary, the available evidence is currently insufficient to determine the role of this variant in disease. Therefore, it has been classified as a Variant of Uncertain Significance. Algorithms developed to predict the effect of missense changes on protein structure and function are either unavailable or do not agree on the potential impact of this missense change (SIFT: "Deleterious"; PolyPhen-2: "Probably Damaging"; Align-GVGD: "Class C0"). This variant has not been reported in the literature in individuals affected with APOB-related conditions. This variant is not present in population databases (gnomAD no frequency). This sequence change replaces leucine, which is neutral and non-polar, with serine, which is neutral and polar, at codon 2370 of the APOB protein (p.Leu2370Ser).

NM_000384.3(APOB):c.7109T>C (p.Leu2370Ser)

Gene: APOB (apolipoprotein B; minus strand). Cytogenetic location: 2p24.1.
Variant type: single nucleotide variant.
Coding change: c.7109T>C on transcript NM_000384.3 (MANE Select); coding-DNA position 7109, T replaced by C.
Protein change: p.Leu2370Ser; replaces leucine 2370 with serine.
Molecular consequence: missense variant.
Genome position (GRCh38, 1-based): chr2:21,009,759, A>G on the plus strand (T>C on the coding strand, the complement: APOB is on the minus strand). VCF-style: chr2-21009759-A-G. GRCh37 (hg19) VCF-style: chr2-21232631-A-G.
Other names: short protein forms L2370S.
Identifiers: ClinVar variation 1438356 (VCV001438356.6), dbSNP rs1663253461, ClinGen allele CA345998037.